The following is an entry in ClinVar:

ClinVar aggregate classification (germline): Uncertain significance. Review status: criteria provided, multiple submitters, no conflicts (2 of 4 stars). 2 submissions from 2 submitters: Uncertain significance (2). Last evaluated 2024-06-25.

Conditions:
Progressive sclerosing poliodystrophy (MTDPS4A). Also called: NEURONAL DEGENERATION OF CHILDHOOD WITH LIVER DISEASE, PROGRESSIVE; ALPERS PROGRESSIVE INFANTILE POLIODYSTROPHY; Alpers-Huttenlocher Syndrome; Alpers Syndrome; ALPERS DIFFUSE DEGENERATION OF CEREBRAL GRAY MATTER WITH HEPATIC CIRRHOSIS; Mitochondrial DNA depletion syndrome 4A (Alpers type). Identifiers: Orphanet 726, MedGen C0205710, MONDO:0008758, OMIM 203700.

Allele frequency attached by ClinVar (database versions not stated): gnomAD exomes below 0.00001; TOPMed below 0.00001; ExAC 0.00001.
gnomAD v4.1: 1 of 1,613,752 alleles (0.000062%); highest among the groups gnomAD compares: Non-Finnish European, 0.000085%; no homozygotes.

Submissions (2):

Labcorp Genetics (formerly Invitae), Labcorp
Classification: Uncertain significance for Progressive sclerosing poliodystrophy. Last evaluated: 2024-06-25. Review status: criteria provided, single submitter. Criteria: Invitae Variant Classification Sherloc (09022015). Collection method: clinical testing. Allele origin: germline.
Comment: This sequence change replaces aspartic acid, which is acidic and polar, with asparagine, which is neutral and polar, at codon 608 of the POLG protein (p.Asp608Asn). This variant is present in population databases (rs761218512, gnomAD 0.002%). This variant has not been reported in the literature in individuals affected with POLG-related conditions. ClinVar contains an entry for this variant (Variation ID: 2506284). Advanced modeling of protein sequence and biophysical properties (such as structural, functional, and spatial information, amino acid conservation, physicochemical variation, residue mobility, and thermodynamic stability) performed at Invitae indicates that this missense variant is expected to disrupt POLG protein function with a positive predictive value of 95%. In summary, the available evidence is currently insufficient to determine the role of this variant in disease. Therefore, it has been classified as a Variant of Uncertain Significance.

Women's Health and Genetics/Laboratory Corporation of America, LabCorp
Classification: Uncertain significance. Last evaluated: 2023-05-18. Review status: criteria provided, single submitter. Criteria: LabCorp Variant Classification Summary - May 2015. Collection method: clinical testing. Allele origin: germline.
Comment: Variant summary: POLG c.1822G>A (p.Asp608Asn) results in a conservative amino acid change in the encoded protein sequence. Three of five in-silico tools predict a damaging effect of the variant on protein function. The variant allele was found at a frequency of 8e-06 in 251086 control chromosomes (gnomAD). The available data on variant occurrences in the general population are insufficient to allow any conclusion about variant significance. To our knowledge, no occurrence of c.1822G>A in individuals affected with POLG-Related Spectrum Disorders and no experimental evidence demonstrating its impact on protein function have been reported. No clinical diagnostic laboratories have submitted clinical-significance assessments for this variant to ClinVar after 2014. Based on the evidence outlined above, the variant was classified as uncertain significance.

NM_002693.3(POLG):c.1822G>A (p.Asp608Asn)

Gene: POLG (DNA polymerase gamma, catalytic subunit; minus strand). Cytogenetic location: 15q26.1.
Variant type: single nucleotide variant.
Coding change: c.1822G>A on transcript NM_002693.3 (MANE Select); coding-DNA position 1822, G replaced by A.
Protein change: p.Asp608Asn; replaces aspartic acid 608 with asparagine.
Molecular consequence: missense variant.
Genome position (GRCh38, 1-based): chr15:89,325,577, C>T on the plus strand (G>A on the coding strand, the complement: POLG is on the minus strand). VCF-style: chr15-89325577-C-T. GRCh37 (hg19) VCF-style: chr15-89868808-C-T.
Other names: c.1822G>A, p.Asp608Asn (NM_001126131.2); short protein forms D608N.
Identifiers: ClinVar variation 2506284 (VCV002506284.3), dbSNP rs761218512, ClinGen allele CA7724681.